The following is an entry in ClinVar:

NM_013447.4(ADGRE2):c.142A>G (p.Asn48Asp)

Gene: ADGRE2 (adhesion G protein-coupled receptor E2; minus strand). Cytogenetic location: 19p13.12.
Variant type: single nucleotide variant.
Coding change: c.142A>G on transcript NM_013447.4 (MANE Select); coding-DNA position 142, A replaced by G.
Protein change: p.Asn48Asp; replaces asparagine 48 with aspartic acid.
Molecular consequence: missense variant.
Genome position (GRCh38, 1-based): chr19:14,773,995, T>C on the plus strand (A>G on the coding strand, the complement: ADGRE2 is on the minus strand). VCF-style: chr19-14773995-T-C. GRCh37 (hg19) VCF-style: chr19-14884807-T-C.
Other names: c.142A>G, p.Asn48Asp (NM_001271052.1, NM_152916.2, NM_152917.2); short protein forms N48D.
Identifiers: ClinVar variation 4706475 (VCV004706475.1).

ClinVar aggregate classification (germline): Uncertain significance (1 of 4 stars; one submission).

gnomAD v4.1: 12 of 1,613,870 alleles (0.00074%); highest among the groups gnomAD compares: Admixed American, 0.0017%; no homozygotes.

Submission:

Labcorp Genetics (formerly Invitae), Labcorp
Classification: Uncertain significance. Last evaluated: 2025-05-27. Review status: criteria provided, single submitter. Criteria: Invitae Variant Classification Sherloc (09022015). Collection method: clinical testing. Allele origin: germline.
Comment: This sequence change replaces asparagine, which is neutral and polar, with aspartic acid, which is acidic and polar, at codon 48 of the ADGRE2 protein (p.Asn48Asp). This variant is present in population databases (rs759188221, gnomAD 0.003%). This variant has not been reported in the literature in individuals affected with ADGRE2-related conditions. An algorithm developed to predict the effect of missense changes on protein structure and function outputs the following: PolyPhen-2: "Benign". The aspartic acid amino acid residue is found in multiple mammalian species, which suggests that this missense change does not adversely affect protein function. In summary, the available evidence is currently insufficient to determine the role of this variant in disease. Therefore, it has been classified as a Variant of Uncertain Significance.